The following is an entry in ClinVar:

ClinVar aggregate classification (germline): Uncertain significance. Review status: criteria provided, multiple submitters, no conflicts (2 of 4 stars). 2 submissions from 2 submitters: Uncertain significance (2). Last evaluated 2020-11-13.

Conditions:
DOCK2 deficiency. Also called: Immunodeficiency 40. Identifiers: Orphanet 447737, MedGen C4225328, MONDO:0014637, OMIM 616433.

Submissions (2):

Blueprint Genetics
Classification: Uncertain significance. Last evaluated: 2020-11-13. Review status: criteria provided, single submitter. Criteria: ACMG Guidelines, 2015. Collection method: clinical testing. Allele origin: germline.

Labcorp Genetics (formerly Invitae), Labcorp
Classification: Uncertain significance for DOCK2 deficiency. Last evaluated: 2019-04-23. Review status: criteria provided, single submitter. Criteria: Invitae Variant Classification Sherloc (09022015). Collection method: clinical testing. Allele origin: germline.
Comment: In summary, the available evidence is currently insufficient to determine the role of this variant in disease. Therefore, it has been classified as a Variant of Uncertain Significance. Nucleotide substitutions within the consensus splice site are a relatively common cause of aberrant splicing (PMID: 17576681, 9536098). Algorithms developed to predict the effect of sequence changes on RNA splicing suggest that this variant may disrupt the consensus splice site, but this prediction has not been confirmed by published transcriptional studies. This variant has not been reported in the literature in individuals with DOCK2-related conditions. This variant is not present in population databases (ExAC no frequency). This sequence change falls in intron 44 of the DOCK2 gene. It does not directly change the encoded amino acid sequence of the DOCK2 protein, but it affects a nucleotide within the consensus splice site of the intron.

Literature cited by the submitters: PubMed 17576681 (cited by Labcorp Genetics (formerly Invitae), Labcorp); PubMed 9536098 (cited by Labcorp Genetics (formerly Invitae), Labcorp).

NM_004946.3(DOCK2):c.4467+4A>G

Gene: DOCK2 (dedicator of cytokinesis 2; plus strand). Cytogenetic location: 5q35.1.
Variant type: single nucleotide variant.
Coding change: c.4467+4A>G on transcript NM_004946.3 (MANE Select); 4 bases into the intron after coding-DNA position 4467, A replaced by G.
Molecular consequence: intron variant.
Genome position (GRCh38, 1-based): chr5:170,057,670, A>G. VCF-style: chr5-170057670-A-G. GRCh37 (hg19) VCF-style: chr5-169484674-A-G.
Identifiers: ClinVar variation 841243 (VCV000841243.8), dbSNP rs1581563324, ClinGen allele CA916082796.